The following is an entry in ClinVar:

ClinVar aggregate classification (germline): Uncertain significance (1 of 4 stars; one submission).

Conditions:
Progressive myoclonic epilepsy. Also called: Progressive myoclonus epilepsy; Myoclonic Epilepsies, Progressive; Myoclonus epilepsy; Familial progressive myoclonic epilepsy. Identifiers: Orphanet 308, Orphanet 98261, MedGen C0751778, MONDO:0020074.

Submission:

Labcorp Genetics (formerly Invitae), Labcorp
Classification: Uncertain significance for Progressive myoclonic epilepsy. Last evaluated: 2021-08-20. Review status: criteria provided, single submitter. Criteria: Invitae Variant Classification Sherloc (09022015). Collection method: clinical testing. Allele origin: germline.
Comment: This sequence change replaces leucine with glutamine at codon 20 of the EPM2A protein (p.Leu20Gln). The leucine residue is moderately conserved and there is a moderate physicochemical difference between leucine and glutamine. The frequency data for this variant in the population databases is considered unreliable, as metrics indicate insufficient coverage at this position in the ExAC database. This variant has not been reported in the literature in individuals affected with EPM2A-related conditions. Algorithms developed to predict the effect of missense changes on protein structure and function are either unavailable or do not agree on the potential impact of this missense change (SIFT: "Deleterious"; PolyPhen-2: "Probably Damaging"; Align-GVGD: "Class C0"). Algorithms developed to predict the effect of sequence changes on RNA splicing suggest that this variant may create or strengthen a splice site. In summary, the available evidence is currently insufficient to determine the role of this variant in disease. Therefore, it has been classified as a Variant of Uncertain Significance.

NM_005670.4(EPM2A):c.59T>A (p.Leu20Gln)

Genes: EPM2A (EPM2A glucan phosphatase, laforin; minus strand), EPM2A-DT (EPM2A divergent transcript; plus strand), LOC129997381 (ATAC-STARR-seq lymphoblastoid silent region 17642; plus strand). Cytogenetic location: 6q24.3.
Variant type: single nucleotide variant.
Coding change: c.59T>A on transcript NM_005670.4 (MANE Select); coding-DNA position 59, T replaced by A.
Protein change: p.Leu20Gln; replaces leucine 20 with glutamine.
Molecular consequence: missense variant. On other transcripts: 5 prime UTR variant (3), intron variant (1).
Genome position (GRCh38, 1-based): chr6:145,735,440, A>T on the plus strand (T>A on the coding strand, the complement: EPM2A is on the minus strand). VCF-style: chr6-145735440-A-T. GRCh37 (hg19) VCF-style: chr6-146056576-A-T.
Other names: c.59T>A, p.Leu20Gln (NM_001018041.2, NM_001360057.2, NM_001368130.1); c.-611T>A (NM_001360071.2); c.-565T>A (NM_001368129.2); c.-309T>A (NM_001368131.1); c.-114+468T>A (NM_001360064.2); short protein forms L20Q.
Identifiers: ClinVar variation 1347725 (VCV001347725.6), dbSNP rs2128649947, ClinGen allele CA366188551.